The following is an entry in ClinVar:

NM_176795.5(HRAS):c.457C>T (p.Arg153Cys)

Genes: HRAS (HRas proto-oncogene, GTPase; minus strand), LRRC56 (leucine rich repeat containing 56; plus strand). Cytogenetic location: 11p15.5.
Variant type: single nucleotide variant.
Coding change: c.457C>T on transcript NM_176795.5 (MANE Plus Clinical); coding-DNA position 457, C replaced by T.
Protein change: p.Arg153Cys; replaces arginine 153 with cysteine.
Molecular consequence: missense variant. On other transcripts: synonymous variant (1), intron variant (2).
Genome position (GRCh38, 1-based): chr11:533,352, G>A on the plus strand (C>T on the coding strand, the complement: HRAS is on the minus strand). VCF-style: chr11-533352-G-A. GRCh37 (hg19) VCF-style: chr11-533352-G-A.
Other names: c.138C>T, p.Ala46= (NM_001318054.2); c.450+101C>T (NM_005343.4, NM_001130442.3); short protein forms R153C.
Identifiers: ClinVar variation 3040518 (VCV003040518.2), dbSNP rs748089446, ClinGen allele CA5779271.

ClinVar aggregate classification (germline): Likely benign (0 of 4 stars; one submission).

Conditions:
HRAS-related disorder. Also called: HRAS-related condition.

Allele frequency attached by ClinVar (database versions not stated): gnomAD exomes 0.00001; gnomAD 0.00003; TOPMed 0.00004; ExAC 0.00005.
gnomAD v4.1: 20 of 1,606,246 alleles (0.0012%); highest among the groups gnomAD compares: South Asian, 0.0088%; no homozygotes.

Submission:

PreventionGenetics, part of Exact Sciences
Classification: Likely benign for HRAS-related condition. Last evaluated: 2019-11-21. Review status: no assertion criteria provided. Collection method: clinical testing. Allele origin: germline.
Comment: This variant is classified as likely benign based on ACMG/AMP sequence variant interpretation guidelines (Richards et al. 2015 PMID: 25741868, with internal and published modifications).